The following is an entry in ClinVar:

NM_015100.4(POGZ):c.529C>T (p.Gln177Ter)

Gene: POGZ (pogo transposable element derived with ZNF domain; minus strand). Cytogenetic location: 1q21.3.
Variant type: single nucleotide variant.
Coding change: c.529C>T on transcript NM_015100.4 (MANE Select); coding-DNA position 529, C replaced by T.
Protein change: p.Gln177Ter; replaces glutamine 177 with a stop codon.
Molecular consequence: nonsense. On other transcripts: intron variant (1).
Genome position (GRCh38, 1-based): chr1:151,429,642, G>A on the plus strand (C>T on the coding strand, the complement: POGZ is on the minus strand). VCF-style: chr1-151429642-G-A. GRCh37 (hg19) VCF-style: chr1-151402118-G-A.
Other names: c.529C>T, p.Gln177Ter (NM_001194937.2); c.370C>T, p.Gln124Ter (NM_001194938.2, NM_207171.2); c.550C>T, p.Gln184Ter (NM_001410860.1); c.284-1229C>T (NM_145796.4); short protein forms Q124*, Q177*, Q184*.
Identifiers: ClinVar variation 3382170 (VCV003382170.2).

ClinVar aggregate classification (germline): Pathogenic (1 of 4 stars; one submission).

Conditions:
Intellectual disability-microcephaly-strabismus-behavioral abnormalities syndrome. Also called: White-Sutton Syndrome. Identifiers: Orphanet 468678, MedGen C4225351, MONDO:0014606, OMIM 616364.

Submission:

Juno Genomics, Hangzhou Juno Genomics, Inc
Classification: Pathogenic for Intellectual disability-microcephaly-strabismus-behavioral abnormalities syndrome. Review status: criteria provided, single submitter. Criteria: ACMG Guidelines, 2015. Collection method: clinical testing. Allele origin: germline. Affected: yes.
Comment: Absent from controls (or at extremely low frequency if recessive) in Genome Aggregation Database, Exome Sequencing Project, 1000 Genomes Project, or Exome Aggregation Consortium.;Null variant in a gene where loss of function (LOF) is a known mechanism of disease.;Assumed de novo, but without confirmation of paternity and maternity.